The following is an entry in ClinVar:

ClinVar aggregate classification (germline): Benign. Review status: reviewed by expert panel (3 of 4 stars). 22 submissions from 19 submitters: Benign (1). 21 of the submissions do not count toward it. Last evaluated 2025-11-11.

Conditions:
MYH7-related skeletal myopathy. Also called: MYOPATHY, DISTAL, EARLY-ONSET, AUTOSOMAL DOMINANT; MYOPATHY, LATE DISTAL HEREDITARY; Laing distal myopathy; Laing early-onset distal myopathy; Myopathy, distal, 1. Identifiers: Orphanet 59135, MedGen C4552004, MONDO:0008050, OMIM 160500.
Myosin storage myopathy (CMYO7A). Also called: MYOPATHY, HYALINE BODY, AUTOSOMAL DOMINANT; Scapuloperoneal myopathy, MYH7-related; MYOPATHY WITH LYSIS OF TYPE I MYOFIBRILS; SCAPULOPERONEAL MUSCULAR DYSTROPHY; SCAPULOPERONEAL SYNDROME, MYOPATHIC TYPE; MYH7-related late-onset scapuloperoneal muscular dystrophy. Identifiers: Orphanet 437572, Orphanet 636965, MedGen C1842160, MONDO:0008409, OMIM 608358.
Hypertrophic cardiomyopathy 1 (CMH1). Also called: Familial hypertrophic cardiomyopathy 1; MYH7-Related Familial Hypertrophic Cardiomyopathy. Identifiers: MedGen C3495498, MONDO:0008647, OMIM 192600.
Myopathy, myosin storage, autosomal recessive (CMYO7B). Also called: CONGENITAL MYOPATHY 7B, MYOSIN STORAGE, AUTOSOMAL RECESSIVE. Identifiers: Orphanet 636970, MedGen C1850709, MONDO:0009708, OMIM 255160.
Congenital myopathy with fiber type disproportion. Also called: Congenital fiber-type disproportion myopathy; Congenital fiber-type disproportion. Identifiers: Orphanet 2020, MedGen C0546264, MONDO:0009711. Inheritance: all.
Dilated cardiomyopathy 1S (CMD1S). Identifiers: Orphanet 154, Orphanet 54260, MedGen C1834481, MONDO:0013262, OMIM 613426.
Cardiovascular phenotype. Identifiers: MedGen CN230736.
Cardiomyopathy (CMYO). Also called: Cardiomyopathies. Identifiers: Orphanet 167848, MedGen C0878544, MONDO:0004994, HP:0001638. Inheritance: Various modes of inheritance.
Primary familial hypertrophic cardiomyopathy (HCM). Identifiers: Orphanet 99739, MedGen C0949658, MeSH D024741, MONDO:0024573. Inheritance: Various modes of inheritance.
Hypertrophic cardiomyopathy. Also called: HYPERTROPHIC MYOCARDIOPATHY. Identifiers: Orphanet 217569, MedGen C0007194, MeSH D002312, MONDO:0005045, HP:0001639.

Allele frequency attached by ClinVar (database versions not stated): gnomAD 0.00021 and 0.00031; ExAC 0.00057; 1000 Genomes Project 0.00160; ESP Exome Variant Server 0.00008; gnomAD exomes 0.00023 and 0.00053; TOPMed 0.00036; 1000 Genomes Project 30x 0.00141.
gnomAD v4.1: 389 of 1,614,270 alleles (0.024%); highest among the groups gnomAD compares: East Asian, 0.61%; no homozygotes.

Submissions 1 to 14 of 22:

ClinGen Cardiomyopathy Variant Curation Expert Panel
Classification: Benign for Hypertrophic cardiomyopathy. Last evaluated: 2025-11-11. Review status: reviewed by expert panel. Criteria: ClinGen CMP ACMG Specifications v1. Collection method: curation. Allele origin: germline. Inheritance: Autosomal dominant inheritance.
Comment: The filtering allele frequency of the c.77C>T (p.Ala26Val) variant in the MYH7 gene is 0.55% (60/8646) of East Asian chromosomes by the Exome Aggregation Consortium, which is a high enough frequency to be classified as benign based on thresholds defined by the ClinGen Inherited Cardiomyopathy Expert Panel (BA1; PMID:29300372).

Labcorp Genetics (formerly Invitae), Labcorp
Classification: Benign for Hypertrophic cardiomyopathy. Last evaluated: 2026-01-10. Review status: criteria provided, single submitter. Criteria: Invitae Variant Classification Sherloc (09022015). Collection method: clinical testing. Allele origin: germline. Not counted in ClinVar's aggregate classification.

Mayo Clinic Laboratories, Mayo Clinic
Classification: Likely benign. Last evaluated: 2025-08-08. Review status: criteria provided, single submitter. Criteria: ACMG Guidelines, 2015. Collection method: clinical testing. Allele origin: germline. Observed: 2 variant alleles. Not counted in ClinVar's aggregate classification.
Comment: BA1

Women's Health and Genetics/Laboratory Corporation of America, LabCorp
Classification: Likely benign. Last evaluated: 2025-06-23. Review status: criteria provided, single submitter. Criteria: LabCorp Variant Classification Summary - May 2015. Collection method: clinical testing. Allele origin: germline. Not counted in ClinVar's aggregate classification.
Comment: Variant summary: MYH7 c.77C>T (p.Ala26Val) results in a non-conservative amino acid change in the encoded protein sequence. Algorithms developed to predict the effect of missense changes on protein structure and function are either unavailable or do not agree on the potential impact of this missense change. The variant allele was found at a frequency of 0.00053 in 251424 control chromosomes, predominantly at a frequency of 0.0063 within the East Asian subpopulation in the gnomAD database. The observed variant frequency within East Asian control individuals in the gnomAD database is approximately 5-fold of the estimated maximal expected allele frequency for a pathogenic variant in MYH7 causing Cardiomyopathy phenotype (0.0013). c.77C>T has been observed in individuals primarily of East Asian ancestry affected with Cardiomyopathy, including hypertrophic cardiomyopathy and left ventricular noncompaction, without strong evidence for causality, including cases without strong segregation or where it has been reported together with other known or potentially causative variants (e.g. Liu_2005, Wang_2009, Liu_2020). To our knowledge, no experimental evidence demonstrating an impact on protein function has been reported. The following publications have been ascertained in the context of this evaluation (PMID: 16137545, 19645038, 31918855). ClinVar contains an entry for this variant (Variation ID: 37375). Based on the evidence outlined above, the variant was classified as likely benign.

Molecular Diagnostic Laboratory for Inherited Cardiovascular Disease, Montreal Heart Institute
Classification: Likely benign. Last evaluated: 2025-04-08. Review status: criteria provided, single submitter. Criteria: ACMG Guidelines, 2015. Collection method: clinical testing. Allele origin: germline. Affected: no. Not counted in ClinVar's aggregate classification.

CeGaT Center for Human Genetics Tuebingen
Classification: Likely benign. Last evaluated: 2024-04-01. Review status: criteria provided, single submitter. Criteria: CeGaT Center For Human Genetics Tuebingen Variant Classification Criteria Version 2. Collection method: clinical testing. Allele origin: germline. Affected: yes. Observed: 1 variant allele. Not counted in ClinVar's aggregate classification.
Comment: MYH7: BP4, BS1

Blueprint Genetics
Classification: Likely benign. Last evaluated: 2023-06-05. Review status: criteria provided, single submitter. Criteria: ACMG Guidelines, 2015. Collection method: clinical testing. Allele origin: germline. Not counted in ClinVar's aggregate classification.

Fulgent Genetics
Classification: Likely benign for MYH7-related skeletal myopathy; Myosin storage myopathy; Hypertrophic cardiomyopathy 1; Myopathy, myosin storage, autosomal recessive; Congenital myopathy 4A, autosomal dominant; Dilated cardiomyopathy 1S. Last evaluated: 2022-05-24. Review status: criteria provided, single submitter. Criteria: ACMG Guidelines, 2015. Collection method: clinical testing. Allele origin: unknown. Not counted in ClinVar's aggregate classification.

Athena Diagnostics
Classification: Benign. Last evaluated: 2019-06-30. Review status: criteria provided, single submitter. Criteria: Athena Diagnostics Criteria. Collection method: clinical testing. Allele origin: germline. Not counted in ClinVar's aggregate classification.

Color Diagnostics, LLC DBA Color Health
Classification: Benign for Cardiomyopathy. Last evaluated: 2018-07-09. Review status: criteria provided, single submitter. Criteria: ACMG Guidelines, 2015. Collection method: clinical testing. Allele origin: germline. Not counted in ClinVar's aggregate classification.

Illumina Laboratory Services, Illumina
Classification: Likely benign for Myosin storage myopathy. Last evaluated: 2017-04-27. Review status: criteria provided, single submitter. Criteria: ICSL Variant Classification Criteria 13 December 2019. Collection method: clinical testing. Allele origin: germline. Not counted in ClinVar's aggregate classification.
Comment: This variant was observed as part of a predisposition screen in an ostensibly healthy population. A literature search was performed for the gene, cDNA change, and amino acid change (where applicable). No publications were found based on this search. Allele frequency data from public databases allowed determination this variant is unlikely to cause disease. Therefore, this variant is classified as likely benign.

Illumina Laboratory Services, Illumina
Classification: Likely benign for Dilated cardiomyopathy 1S. Last evaluated: 2017-04-27. Review status: criteria provided, single submitter. Criteria: ICSL Variant Classification Criteria 13 December 2019. Collection method: clinical testing. Allele origin: germline. Not counted in ClinVar's aggregate classification.
Comment: the same text as in the submission from Illumina Laboratory Services, Illumina above.

Illumina Laboratory Services, Illumina
Classification: Likely benign for MYH7-related skeletal myopathy. Last evaluated: 2017-04-27. Review status: criteria provided, single submitter. Criteria: ICSL Variant Classification Criteria 13 December 2019. Collection method: clinical testing. Allele origin: germline. Not counted in ClinVar's aggregate classification.
Comment: the same text as in the submission from Illumina Laboratory Services, Illumina above.

Illumina Laboratory Services, Illumina
Classification: Likely benign for Hypertrophic cardiomyopathy 1. Last evaluated: 2017-04-27. Review status: criteria provided, single submitter. Criteria: ICSL Variant Classification Criteria 13 December 2019. Collection method: clinical testing. Allele origin: germline. Not counted in ClinVar's aggregate classification.
Comment: This variant was observed as part of a predisposition screen in an ostensibly healthy population. A literature search was performed for the gene, cDNA change, and amino acid change (where applicable). Publications were found based on this search. The evidence from the literature, in combination with allele frequency data from public databases where available, was sufficient to determine this variant is unlikely to cause disease. Therefore, this variant is classified as likely benign.

NM_000257.4(MYH7):c.77C>T (p.Ala26Val)

Gene: MYH7 (myosin heavy chain 7; minus strand). Cytogenetic location: 14q11.2.
Variant type: single nucleotide variant.
Coding change: c.77C>T on transcript NM_000257.4 (MANE Select); coding-DNA position 77, C replaced by T.
Protein change: p.Ala26Val; replaces alanine 26 with valine.
Molecular consequence: missense variant.
Genome position (GRCh38, 1-based): chr14:23,433,656, G>A on the plus strand (C>T on the coding strand, the complement: MYH7 is on the minus strand). VCF-style: chr14-23433656-G-A. GRCh37 (hg19) VCF-style: chr14-23902865-G-A.
Other names: p.A26V:GCG>GTG; NM_000257.3(MYH7):c.77C>T; short protein forms A26V.
Identifiers: ClinVar variation 37375 (VCV000037375.54), dbSNP rs186964570, ClinGen allele CA016817.
Genomic context (GRCh38, chr14:23,433,656, plus strand): 5'-AACTCCTGTTTGTCATCAGGCACGAAGACATCCTTCTTGAGGTCAAAAGGCCTGGTCTGC[G>A]CTTCTAGCCGCTCCTTCTCTGACTTGCGCAGGTAGGGGGCGGCAGCCCCAAAGACTGCCA-3'
Protein context (NP_000248.2, residues 16-36): LRKSEKERLE[Ala26Val]QTRPFDLKKD